The following is an entry in ClinVar:

NM_052947.4(ALPK2):c.1326A>C (p.Ser442=)

Gene: ALPK2 (alpha kinase 2; minus strand). Cytogenetic location: 18q21.31.
Variant type: single nucleotide variant.
Coding change: c.1326A>C on transcript NM_052947.4 (MANE Select); coding-DNA position 1326, A replaced by C.
Protein change: p.Ser442=; no amino-acid change (serine 442 retained).
Molecular consequence: synonymous variant.
Genome position (GRCh38, 1-based): chr18:58,579,450, T>G on the plus strand (A>C on the coding strand, the complement: ALPK2 is on the minus strand). VCF-style: chr18-58579450-T-G. GRCh37 (hg19) VCF-style: chr18-56246682-T-G.
Identifiers: ClinVar variation 3059386 (VCV003059386.2), dbSNP rs114432784, ClinGen allele CA8977278.

ClinVar aggregate classification (germline): Benign (0 of 4 stars; one submission).

Conditions:
ALPK2-related disorder. Also called: ALPK2-related condition.

Allele frequency attached by ClinVar (database versions not stated): gnomAD exomes 0.01031; ESP Exome Variant Server 0.01146; gnomAD 0.01646; ExAC 0.01864; TOPMed 0.01868; 1000 Genomes Project 30x 0.03326; 1000 Genomes Project 0.03355.
gnomAD v4.1: 17,953 of 1,614,178 alleles (1.1%); highest among the groups gnomAD compares: East Asian, 7.5%; 303 homozygotes.

Submission:

PreventionGenetics, part of Exact Sciences
Classification: Benign for ALPK2-related condition. Last evaluated: 2019-03-20. Review status: no assertion criteria provided. Collection method: clinical testing. Allele origin: germline.
Comment: This variant is classified as benign based on ACMG/AMP sequence variant interpretation guidelines (Richards et al. 2015 PMID: 25741868, with internal and published modifications).